The following is an entry in ClinVar:

NM_001099922.3(ALG13):c.2754ACC[8] (p.Pro939_Pro945del)

Gene: ALG13 (ALG13 UDP-N-acetylglucosaminyltransferase subunit; plus strand). Cytogenetic location: Xq23.
Variant type: Microsatellite.
Coding change: c.2754ACC[8] on transcript NM_001099922.3 (MANE Select); eight copies in a row of the 3-base unit ACC starting at c.2754; the reference has 15 copies in a row; seven copies, 21 bases deleted.
Protein change: p.Pro939_Pro945del.
Molecular consequence: inframe deletion. On other transcripts: intron variant (5).
Genome position (GRCh38, 1-based): chrX:111,744,750-111,744,770, ACCACCACCACCACCACCACC deleted; deleting any 21 consecutive bases within chrX:111,744,726-111,744,770 gives the same sequence; the position shown is the placement nearest the transcript's 3' end. VCF-style (leftmost placement, unchanged base first): chrX-111744725-TACCACCACCACCACCACCACC-T. GRCh37 (hg19) VCF-style: chrX-110987953-TACCACCACCACCACCACCACC-T.
Other names: c.2520ACC[8], p.Pro861_Pro867del (NM_001257231.2); c.2383+7847ACC[8] (NM_001257237.2, NM_001257234.2, NM_001257230.2); c.2209+7847ACC[8] (NM_001324293.1); c.2695+7847ACC[8] (NM_001324292.2).
Identifiers: ClinVar variation 3621791 (VCV003621791.3).

ClinVar aggregate classification (germline): Conflicting classifications of pathogenicity. Review status: criteria provided, conflicting classifications (1 of 4 stars). 2 submissions from 2 submitters: Uncertain significance (1); Likely benign (1). Last evaluated 2025-05-11.

Conditions:
Developmental and epileptic encephalopathy, 36 (DEE36). Also called: Congenital disorder of glycosylation, type Is; Epileptic encephalopathy, early infantile, 36; ALG13-CDG. Identifiers: Orphanet 324422, MedGen C4317295, MONDO:0010472, OMIM 300884.

Submissions (2):

Labcorp Genetics (formerly Invitae), Labcorp
Classification: Uncertain significance for Developmental and epileptic encephalopathy, 36. Last evaluated: 2025-05-11. Review status: criteria provided, single submitter. Criteria: Invitae Variant Classification Sherloc (09022015). Collection method: clinical testing. Allele origin: germline.
Comment: This variant, c.2778_2798del, results in the deletion of 7 amino acid(s) of the ALG13 protein (p.Pro939_Pro945del), but otherwise preserves the integrity of the reading frame. This variant is not present in population databases (gnomAD no frequency). This variant has not been reported in the literature in individuals affected with ALG13-related conditions. Experimental studies and prediction algorithms are not available or were not evaluated, and the functional significance of this variant is currently unknown. In summary, the available evidence is currently insufficient to determine the role of this variant in disease. Therefore, it has been classified as a Variant of Uncertain Significance.

Blueprint Genetics
Classification: Likely benign. Last evaluated: 2024-09-07. Review status: criteria provided, single submitter. Criteria: ACMG Guidelines, 2015. Collection method: clinical testing. Allele origin: germline.